The following is an entry in ClinVar:

NM_032043.3(BRIP1):c.692_696delinsTCATACAGGG (p.Asn231fs)

Gene: BRIP1 (BRCA1 interacting DNA helicase 1; minus strand). Cytogenetic location: 17q23.2.
Variant type: Indel.
Coding change: c.692_696delinsTCATACAGGG on transcript NM_032043.3 (MANE Select); coding-DNA positions 692 to 696, ATACC replaced by TCATACAGGG.
Protein change: p.Asn231fs; shifts the reading frame from asparagine 231.
Molecular consequence: frameshift variant.
Genome position (GRCh38, 1-based): chr17:61,808,689-61,808,693, GGTAT replaced by CCCTGTATGA on the plus strand (ATACC replaced by TCATACAGGG on the coding strand, the reverse complement: BRIP1 is on the minus strand). VCF-style: chr17-61808689-GGTAT-CCCTGTATGA. GRCh37 (hg19) VCF-style: chr17-59886050-GGTAT-CCCTGTATGA.
Other names: c.692_696delATACCinsTCATACAGGG, p.Asn231Ilefs (NM_032043.2); short protein forms N231fs.
Identifiers: ClinVar variation 4994936 (VCV004994936.1).

ClinVar aggregate classification (germline): Likely pathogenic (1 of 4 stars; one submission).

Conditions:
BRIP1-related disorder. Also called: BRIP1-related condition; BRIP1-related disorders. Identifiers: MedGen CN239206.

Submission:

PreventionGenetics, part of Exact Sciences
Classification: Likely pathogenic for BRIP1-related condition. Last evaluated: 2026-02-06. Review status: criteria provided, single submitter. Criteria: ACMG Guidelines, 2015. Collection method: clinical testing. Allele origin: germline.
Comment: The BRIP1 c.692_696delinsTCATACAGGG variant is predicted to result in a frameshift and premature protein termination (p.Asn231Ilefs*45). To our knowledge, this variant has not been reported in the literature or in a large population database (gnomAD), indicating this variant is rare. Frameshift variants in BRIP1 are expected to be pathogenic. This variant is interpreted as likely pathogenic.